The following is an entry in ClinVar:

ClinVar aggregate classification (germline): Uncertain significance (1 of 4 stars; one submission).

Conditions:
PLXNA4-related disorder. Also called: PLXNA4-related condition.

Submission:

PreventionGenetics, part of Exact Sciences
Classification: Uncertain significance for PLXNA4-related condition. Last evaluated: 2025-11-04. Review status: criteria provided, single submitter. Criteria: ACMG Guidelines, 2015. Collection method: clinical testing. Allele origin: germline.
Comment: The PLXNA4 c.1498A>T variant is predicted to result in premature protein termination (p.Lys500*). On an alternate transcript (NM_020911) this variant is referred to as c.1371+4405A>T (Intronic). To our knowledge, this variant has not been reported in the literature or in a large population database (gnomAD), indicating this variant is rare. Currently the clinical significance of loss-of-function variants in PLXNA4 is uncertain. At this time, the clinical significance of this variant is uncertain due to the absence of conclusive functional and genetic evidence.

NM_020911.2(PLXNA4):c.1371+4405A>T

Gene: PLXNA4 (plexin A4; minus strand). Cytogenetic location: 7q32.3.
Variant type: single nucleotide variant.
Coding change: c.1371+4405A>T on transcript NM_020911.2 (MANE Select); 4405 bases into the intron after coding-DNA position 1371, A replaced by T.
Molecular consequence: intron variant. On other transcripts: nonsense (1).
Genome position (GRCh38, 1-based): chr7:132,484,887, T>A on the plus strand (A>T on the coding strand, the complement: PLXNA4 is on the minus strand). VCF-style: chr7-132484887-T-A. GRCh37 (hg19) VCF-style: chr7-132169646-T-A.
Other names: c.1498A>T, p.Lys500Ter (NM_181775.4); c.1371+4405A>T (NM_001393897.1, NM_001105543.2); short protein forms K500*.
Identifiers: ClinVar variation 4995820 (VCV004995820.1).